The following is an entry in ClinVar:

NM_001042492.3(NF1):c.7805del (p.Asn2602fs)

Gene: NF1 (neurofibromin 1; plus strand). Cytogenetic location: 17q11.2.
Variant type: Deletion.
Coding change: c.7805del on transcript NM_001042492.3 (MANE Select); coding-DNA position 7805, one base deleted (A; older notation c.7805delA).
Protein change: p.Asn2602fs; shifts the reading frame from asparagine 2602.
Molecular consequence: frameshift variant.
Genome position (GRCh38, 1-based): chr17:31,357,026, A deleted; the last of 3 consecutive A bases (chr17:31,357,024-31,357,026); deleting any one gives the same sequence. VCF-style (leftmost placement, unchanged base first): chr17-31357023-CA-C. GRCh37 (hg19) VCF-style: chr17-29684041-CA-C.
Other names: c.7742delA (NM_000267.3); c.7742delA, p.Asn2581Metfs (NM_000267.4); short protein forms N2602fs, N2581fs.
Identifiers: ClinVar variation 2447116 (VCV002447116.2), dbSNP rs2508827517, ClinGen allele CA2580093451.

ClinVar aggregate classification (germline): Pathogenic (1 of 4 stars; one submission).

Conditions:
Cardiovascular phenotype. Identifiers: MedGen CN230736.
Hereditary cancer-predisposing syndrome. Also called: Neoplastic Syndromes, Hereditary; Hereditary Cancer Syndrome; Tumor predisposition; Hereditary neoplastic syndrome. Identifiers: Orphanet 140162, MedGen C0027672, MeSH D009386, MONDO:0015356.

Submission:

Ambry Genetics
Classification: Pathogenic for Cardiovascular phenotype; Hereditary cancer-predisposing syndrome. Last evaluated: 2023-03-06. Review status: criteria provided, single submitter. Criteria: Ambry Variant Classification Scheme 2023. Collection method: clinical testing. Allele origin: germline.
Comment: The c.7742delA pathogenic mutation, located in coding exon 52 of the NF1 gene, results from a deletion of one nucleotide at nucleotide position 7742, causing a translational frameshift with a predicted alternate stop codon (p.N2581Mfs*22). This alteration has been observed in multiple individuals with a personal and/or family history that is consistent with NF1-related disease (Pasmant E et al. Eur J Hum Genet, 2015 May;23:596-601; Ambry internal data). This variant is considered to be rare based on population cohorts in the Genome Aggregation Database (gnomAD). In addition to the clinical data presented in the literature, this alteration is expected to result in loss of function by premature protein truncation or nonsense-mediated mRNA decay. As such, this alteration is interpreted as a disease-causing mutation.